The following is an entry in ClinVar:

ClinVar aggregate classification (germline): Uncertain significance (1 of 4 stars; one submission).

Conditions:
CELF2-related disorder. Also called: CELF2-related condition.

gnomAD v4.1: 1 of 1,231,528 alleles (0.000081%); highest among the groups gnomAD compares: Non-Finnish European, 0.0001%; no homozygotes.

Submission:

PreventionGenetics, part of Exact Sciences
Classification: Uncertain significance for CELF2-related condition. Last evaluated: 2025-03-10. Review status: criteria provided, single submitter. Criteria: ACMG Guidelines, 2015. Collection method: clinical testing. Allele origin: germline.
Comment: The CELF2 c.133G>A variant is predicted to result in the amino acid substitution p.Gly45Arg. This variant is pre-coding in the canonical transcript, described as NM_006561:c.-98104G>A. To our knowledge, this variant has not been reported in the literature or in a large population database (gnomAD), indicating this variant is rare. Although we suspect that this variant may be pathogenic, at this time, the clinical significance of this variant is uncertain due to the absence of conclusive functional and genetic evidence.

NM_001326325.2(CELF2):c.133G>A (p.Gly45Arg)

Gene: CELF2 (CUGBP Elav-like family member 2; plus strand). Cytogenetic location: 10p14.
Variant type: single nucleotide variant.
Coding change: c.133G>A on transcript NM_001326325.2; coding-DNA position 133, G replaced by A.
Protein change: p.Gly45Arg; replaces glycine 45 with arginine.
Molecular consequence: missense variant. On other transcripts: 5 prime UTR variant (8).
Genome position (GRCh38, 1-based): chr10:10,919,986, G>A. VCF-style: chr10-10919986-G-A. GRCh37 (hg19) VCF-style: chr10-10961949-G-A.
Other names: c.-33G>A (NM_001326317.2, NM_001326318.2, NM_001326320.2 and 4 more transcripts); c.-71G>A (NM_001326319.2); c.76G>A, p.Gly26Arg (NM_001326326.2, NM_001326327.2); short protein forms G26R, G45R.
Identifiers: ClinVar variation 5000333 (VCV005000333.1).